The following is an entry in ClinVar:

ClinVar aggregate classification (germline): Benign (1 of 4 stars; one submission).

Allele frequency attached by ClinVar (database versions not stated): 1000 Genomes Project 30x 0.00016; 1000 Genomes Project 0.00020; gnomAD 0.00021 and 0.00022; gnomAD exomes 0.00021 and 0.00034; ExAC 0.00026; ESP Exome Variant Server 0.00031.
gnomAD v4.1: 344 of 1,582,996 alleles (0.022%); highest among the groups gnomAD compares: Middle Eastern, 0.11%; no homozygotes.

Submission:

GeneDx
Classification: Benign. Last evaluated: 2015-07-23. Review status: criteria provided, single submitter. Criteria: GeneDx Variant Classification (06012015). Collection method: clinical testing. Allele origin: germline. Affected: yes.
Comment: This variant is considered likely benign or benign based on one or more of the following criteria: it is a conservative change, it occurs at a poorly conserved position in the protein, it is predicted to be benign by multiple in silico algorithms, and/or has population frequency not consistent with disease.

NM_015443.4(KANSL1):c.-35C>T

Gene: KANSL1 (KAT8 regulatory NSL complex subunit 1). Cytogenetic location: 17q21.31.
Variant type: single nucleotide variant.
Coding change: c.-35C>T on transcript NM_015443.4 (MANE Select); 35 bases upstream of the start codon, C replaced by T.
Molecular consequence: 5 prime UTR variant.
Genome position (GRCh38, 1-based): chr17:46,172,178, G>A on the plus strand (C>T on the coding strand, the complement: KANSL1 is on the minus strand). VCF-style: chr17-46172178-G-A. GRCh37 (hg19) VCF-style: chr17-44249544-G-A.
Other names: c.-35C>T (NM_001193465.2, NM_001193466.2, NM_001379198.1).
Identifiers: ClinVar variation 323799 (VCV000323799.1), dbSNP rs200079769, ClinGen allele CA8619141.